The following is an entry in ClinVar:

ClinVar aggregate classification (germline): Conflicting classifications of pathogenicity. Review status: criteria provided, conflicting classifications (1 of 4 stars). 2 submissions from 2 submitters: Uncertain significance (1); Likely benign (1). Last evaluated 2025-11-13.

Conditions:
Charcot-Marie-Tooth disease axonal type 2O. Also called: Charcot-Marie-Tooth disease, axonal, type 20; CHARCOT-MARIE-TOOTH NEUROPATHY, AXONAL, TYPE 2O; CHARCOT-MARIE-TOOTH DISEASE, AXONAL, AUTOSOMAL DOMINANT, TYPE 2O; Charcot-Marie-Tooth Neuropathy Type 2O. Identifiers: Orphanet 284232, MedGen C3280220, MONDO:0013644, OMIM 614228.

gnomAD v4.1: 2 of 1,614,146 alleles (0.00012%); highest among the groups gnomAD compares: South Asian, 0.0011%; no homozygotes.

Submissions (2):

Labcorp Genetics (formerly Invitae), Labcorp
Classification: Likely benign for Charcot-Marie-Tooth disease axonal type 2O. Last evaluated: 2025-11-13. Review status: criteria provided, single submitter. Criteria: Invitae Variant Classification Sherloc (09022015). Collection method: clinical testing. Allele origin: germline.

GeneDx
Classification: Uncertain significance. Last evaluated: 2022-10-06. Review status: criteria provided, single submitter. Criteria: GeneDx Variant Classification Process June 2021. Collection method: clinical testing. Allele origin: germline. Affected: yes.
Comment: In silico analysis supports that this missense variant does not alter protein structure/function; Has not been previously published as pathogenic or benign to our knowledge; This variant is associated with the following publications: (PMID: 26100331, 25609763, 25512093)

NM_001376.5(DYNC1H1):c.9363C>G (p.Ile3121Met)

Genes: DYNC1H1 (dynein cytoplasmic 1 heavy chain 1; plus strand), LOC126862060 (BRD4-independent group 4 enhancer GRCh37_chr14:102493659-102494858; plus strand). Cytogenetic location: 14q32.31.
Variant type: single nucleotide variant.
Coding change: c.9363C>G on transcript NM_001376.5 (MANE Select); coding-DNA position 9363, C replaced by G.
Protein change: p.Ile3121Met; replaces isoleucine 3121 with methionine.
Molecular consequence: missense variant.
Genome position (GRCh38, 1-based): chr14:102,028,036, C>G. VCF-style: chr14-102028036-C-G. GRCh37 (hg19) VCF-style: chr14-102494373-C-G.
Other names: short protein forms I3121M.
Identifiers: ClinVar variation 2016574 (VCV002016574.5), dbSNP rs547968657, ClinGen allele CA7353212.